The following is an entry in ClinVar:

ClinVar aggregate classification (germline): Uncertain significance. Review status: criteria provided, single submitter (1 of 4 stars). 2 submissions from 2 submitters: Uncertain significance (1). 1 of the submissions does not count toward it. Last evaluated 2017-10-01.

Conditions:
Hearing impairment. Also called: Impaired Hearing. Identifiers: MedGen C1384666, MONDO:0005365, HP:0000365.

Submissions (2):

CeGaT Center for Human Genetics Tuebingen
Classification: Uncertain significance. Last evaluated: 2017-10-01. Review status: criteria provided, single submitter. Criteria: CeGaT Center For Human Genetics Tuebingen Variant Classification Criteria Version 2. Collection method: clinical testing. Allele origin: germline. Affected: yes. Observed: 1 variant allele.

Department of Otolaryngology – Head & Neck Surgery, Cochlear Implant Center
Classification: Likely pathogenic for Hearing impairment. Last evaluated: 2021-04-12. Review status: flagged submission. Criteria: ClinGen HL ACMG Specifications v1. Collection method: clinical testing. Allele origin: germline. Affected: yes. Not counted in ClinVar's aggregate classification.
Comment: PVS1_Strong, PM2_Moderate
ClinVar note: Notes: Flagging candidate with reason of insufficient supporting evidence. This gene has been classified as having a limited gene-disease relationship by a ClinGen Expert Panel.
ClinVar note: Reason: Other

NM_001042517.2(DIAPH3):c.2266-2A>G

Gene: DIAPH3 (diaphanous related formin 3; minus strand). Cytogenetic location: 13q21.2.
Variant type: single nucleotide variant.
Coding change: c.2266-2A>G on transcript NM_001042517.2 (MANE Select); the canonical splice acceptor site of the intron before coding-DNA position 2266, A replaced by G.
Molecular consequence: splice acceptor variant.
Genome position (GRCh38, 1-based): chr13:59,911,838, T>C on the plus strand (A>G on the coding strand, the complement: DIAPH3 is on the minus strand). VCF-style: chr13-59911838-T-C. GRCh37 (hg19) VCF-style: chr13-60485972-T-C.
Other names: c.2056-2A>G (NM_001258368.2); c.2128-2A>G (NM_001258367.2); c.2233-2A>G (NM_001258366.2); c.2266-2A>G (NM_001258369.2); c.1477-2A>G (NM_030932.4, NM_001258370.2).
Identifiers: ClinVar variation 807029 (VCV000807029.45), dbSNP rs1593949468, ClinGen allele CA388331122.